The following is an entry in ClinVar:

ClinVar aggregate classification (germline): Likely benign (1 of 4 stars; one submission).

Conditions:
CCBE1-related disorder. Also called: CCBE1-related condition.

gnomAD v4.1: 36 of 1,596,132 alleles (0.0023%); highest among the groups gnomAD compares: South Asian, 0.034%; no homozygotes.

Submission:

PreventionGenetics, part of Exact Sciences
Classification: Likely benign for CCBE1-related condition. Last evaluated: 2026-08-24. Review status: criteria provided, single submitter. Criteria: ACMG Guidelines, 2015. Collection method: clinical testing. Allele origin: germline.
Comment: This variant is classified as likely benign based on ACMG/AMP sequence variant interpretation guidelines (Richards et al. 2015 PMID: 25741868, with internal and published modifications).

NM_133459.4(CCBE1):c.*21C>G

Gene: CCBE1 (collagen and calcium binding EGF domains 1; minus strand). Cytogenetic location: 18q21.32.
Variant type: single nucleotide variant.
Coding change: c.*21C>G on transcript NM_133459.4 (MANE Select); 21 bases downstream of the stop codon, C replaced by G.
Molecular consequence: 3 prime UTR variant.
Genome position (GRCh38, 1-based): chr18:59,435,887, G>C on the plus strand (C>G on the coding strand, the complement: CCBE1 is on the minus strand). VCF-style: chr18-59435887-G-C. GRCh37 (hg19) VCF-style: chr18-57103119-G-C.
Identifiers: ClinVar variation 4977481 (VCV004977481.1).
Genomic context (GRCh38, chr18:59,435,887, plus strand): 5'-GTGGTCTTTCTTCTCTTTAGATGGTTTAACTGCAGGTGAGTTGATCTTTCTCTTCCTTTG[G>C]CGTGACGGTGTTGGGATGTGCTATGGGTAGAAGTCTCTGGGGGCTCTCAAGTCTCTTGTC-3'